The following is an entry in ClinVar:

ClinVar aggregate classification (germline): Likely pathogenic (1 of 4 stars; one submission).

Conditions:
Coffin-Siris syndrome 1 (CSS1). Also called: Mental retardation, autosomal dominant 12; ARID1B-Related Coffin-Siris Syndrome. Identifiers: Orphanet 1465, MedGen C3281201, MONDO:0007617, OMIM 135900. Disease mechanism: gain of function.

Submission:

Variantyx, Inc.
Classification: Likely pathogenic for Coffin-Siris syndrome 1. Last evaluated: 2025-03-20. Review status: criteria provided, single submitter. Criteria: Variantyx Assertion Criteria 2022. Collection method: clinical testing. Allele origin: germline. Affected: yes.
Comment: This is a frameshift variant in the ARID1B gene (OMIM: 614556). Pathogenic variants in this gene have been associated with autosomal dominant Coffin-Siris syndrome 1 (PMID:224263090; 34775996). This variant introduces a premature termination codon in exon 1 out of 20. It is expected to result in loss of function, which is a known disease mechanism for ARID1B in this disorder (PVS1) (PMID:23556151). This variant has a 0.0043% maximum allele frequency in non-founder control populations (PM2_Supporting). Based on the current evidence, this variant is classified as likely pathogenic for autosomal dominant Coffin-Siris syndrome 1.

NM_001374828.1(ARID1B):c.1400del (p.Gly467fs)

Gene: ARID1B (AT-rich interaction domain 1B; plus strand). Cytogenetic location: 6q25.3.
Variant type: Deletion.
Coding change: c.1400del on transcript NM_001374828.1 (MANE Select); coding-DNA position 1400, one base deleted (G; older notation c.1400delG).
Protein change: p.Gly467fs; shifts the reading frame from glycine 467.
Molecular consequence: frameshift variant.
Genome position (GRCh38, 1-based): chr6:156,779,080, G deleted; the last of 5 consecutive G bases (chr6:156,779,076-156,779,080); deleting any one gives the same sequence. VCF-style (leftmost placement, unchanged base first): chr6-156779075-CG-C. GRCh37 (hg19) VCF-style: chr6-157100209-CG-C.
Other names: c.1151del (NM_020732.3); c.1400del, p.Gly467fs (NM_001371656.1, NM_001374820.1, NM_017519.3); short protein forms G467fs.
Identifiers: ClinVar variation 2578380 (VCV002578380.3), dbSNP rs2546839430, ClinGen allele CA1139532936.